The following is an entry in ClinVar:

ClinVar aggregate classification (germline): Pathogenic (1 of 4 stars; one submission).

Submission:

GeneDx
Classification: Pathogenic. Last evaluated: 2015-05-22. Review status: criteria provided, single submitter. Criteria: GeneDx Variant Classification (06012015). Collection method: clinical testing. Allele origin: germline. Affected: yes.
Comment: The Q183X variant in the TP63 gene has not been reported previously as a pathogenic variantnor as a benign polymorphism, to our knowledge. This variant is predicted to cause loss of normalprotein function either through protein truncation or nonsense-mediated mRNA decay. The Q183Xvariant was not observed in approximately 6500 individuals of European and African Americanancestry in the NHLBI Exome Sequencing Project, indicating it is not a common benign variant inthese populations. While, less common, nonsense variants have been reported in TP63 gene inHGMD associated with Split-Hand/Foot malformation and Limb-Mammary syndrome (Stenson et al.,2014). Thus we interpret the Q183X variant as pathogenic.

NM_003722.5(TP63):c.547C>T (p.Gln183Ter)

Gene: TP63 (tumor protein p63; plus strand). Cytogenetic location: 3q28.
Variant type: single nucleotide variant.
Coding change: c.547C>T on transcript NM_003722.5 (MANE Select); coding-DNA position 547, C replaced by T.
Protein change: p.Gln183Ter; replaces glutamine 183 with a stop codon.
Molecular consequence: nonsense. On other transcripts: intron variant (2).
Genome position (GRCh38, 1-based): chr3:189,808,494, C>T. VCF-style: chr3-189808494-C-T. GRCh37 (hg19) VCF-style: chr3-189526283-C-T.
Other names: c.547C>T, p.Gln183Ter (NM_001114978.2, NM_001114979.2, NM_001329144.2 and 1 more transcripts); c.265C>T, p.Gln89Ter (NM_001114980.2, NM_001114981.2, NM_001114982.2 and 2 more transcripts); c.541C>T, p.Gln181Ter (NM_001329964.2); c.42+18652C>T (NM_001329146.2, NM_001329150.2); short protein forms Q183*, Q89*, Q181*.
Identifiers: ClinVar variation 379830 (VCV000379830.2), dbSNP rs1057520750, ClinGen allele CA16604497.